The following is an entry in ClinVar:

NM_017755.6(NSUN2):c.349C>G (p.Pro117Ala)

Gene: NSUN2 (NOP2/Sun RNA methyltransferase 2; minus strand). Cytogenetic location: 5p15.31.
Variant type: single nucleotide variant.
Coding change: c.349C>G on transcript NM_017755.6 (MANE Select); coding-DNA position 349, C replaced by G.
Protein change: p.Pro117Ala; replaces proline 117 with alanine.
Molecular consequence: missense variant. On other transcripts: non-coding transcript variant (1), intron variant (1).
Genome position (GRCh38, 1-based): chr5:6,631,883, G>C on the plus strand (C>G on the coding strand, the complement: NSUN2 is on the minus strand). VCF-style: chr5-6631883-G-C. GRCh37 (hg19) VCF-style: chr5-6631996-G-C.
Other names: c.254+716C>G (NM_001193455.2); short protein forms P117A.
Identifiers: ClinVar variation 3408078 (VCV003408078.3).

ClinVar aggregate classification (germline): Uncertain significance. Review status: criteria provided, multiple submitters, no conflicts (2 of 4 stars). 2 submissions from 2 submitters: Uncertain significance (2). Last evaluated 2024-10-25.

Conditions:
Inborn genetic diseases. Identifiers: MedGen C0950123, MeSH D030342.

gnomAD v4.1: 4 of 1,611,034 alleles (0.00025%); highest among the groups gnomAD compares: East Asian, 0.0089%; no homozygotes.

Submissions (2):

Ambry Genetics
Classification: Uncertain significance for Inborn genetic diseases. Last evaluated: 2024-10-25. Review status: criteria provided, single submitter. Criteria: Ambry Variant Classification Scheme 2023. Collection method: clinical testing. Allele origin: germline.

Labcorp Genetics (formerly Invitae), Labcorp
Classification: Uncertain significance. Last evaluated: 2024-03-30. Review status: criteria provided, single submitter. Criteria: Invitae Variant Classification Sherloc (09022015). Collection method: clinical testing. Allele origin: germline.
Comment: This sequence change replaces proline, which is neutral and non-polar, with alanine, which is neutral and non-polar, at codon 117 of the NSUN2 protein (p.Pro117Ala). This variant is present in population databases (rs756863943, gnomAD 0.03%). This variant has not been reported in the literature in individuals affected with NSUN2-related conditions. Advanced modeling of protein sequence and biophysical properties (such as structural, functional, and spatial information, amino acid conservation, physicochemical variation, residue mobility, and thermodynamic stability) performed at Invitae indicates that this missense variant is not expected to disrupt NSUN2 protein function with a negative predictive value of 80%. In summary, the available evidence is currently insufficient to determine the role of this variant in disease. Therefore, it has been classified as a Variant of Uncertain Significance.